The following is an entry in ClinVar:

ClinVar aggregate classification (germline): Conflicting classifications of pathogenicity. Review status: criteria provided, conflicting classifications (1 of 4 stars). 3 submissions from 3 submitters: Uncertain significance (2); Likely benign (1). Last evaluated 2025-12-11.

Conditions:
TNXB-related disorder. Also called: TNXB-related condition.
Cardiovascular phenotype. Identifiers: MedGen CN230736.

Allele frequency attached by ClinVar (database versions not stated): gnomAD exomes 0.00002; ExAC 0.00006; gnomAD 0.00007; 1000 Genomes Project 0.00020; 1000 Genomes Project 30x 0.00016; ESP Exome Variant Server 0.00016.
gnomAD v4.1: 34 of 1,603,006 alleles (0.0021%); highest among the groups gnomAD compares: African/African-American, 0.027%; no homozygotes.

Submissions (3):

Mayo Clinic Laboratories, Mayo Clinic
Classification: Uncertain significance. Last evaluated: 2025-12-11. Review status: criteria provided, single submitter. Criteria: ACMG Guidelines, 2015. Collection method: clinical testing. Allele origin: germline. Observed: 1 variant allele.
Comment: BP4_moderate

PreventionGenetics, part of Exact Sciences
Classification: Uncertain significance for TNXB-related condition. Last evaluated: 2024-10-31. Review status: criteria provided, single submitter. Criteria: ACMG Guidelines, 2015. Collection method: clinical testing. Allele origin: germline.
Comment: The TNXB c.3833G>A variant is predicted to result in the amino acid substitution p.Arg1278His. To our knowledge, this variant has not been reported in the literature. This variant is reported in 0.036% of alleles in individuals of African descent in gnomAD. At this time, the clinical significance of this variant is uncertain due to the absence of conclusive functional and genetic evidence.

Ambry Genetics
Classification: Likely benign for Cardiovascular phenotype. Last evaluated: 2024-07-29. Review status: criteria provided, single submitter. Criteria: Ambry Variant Classification Scheme 2023. Collection method: clinical testing. Allele origin: germline.

NM_001365276.2(TNXB):c.3833G>A (p.Arg1278His)

Gene: TNXB (tenascin XB; minus strand). Cytogenetic location: 6p21.33.
Variant type: single nucleotide variant.
Coding change: c.3833G>A on transcript NM_001365276.2 (MANE Select); coding-DNA position 3833, G replaced by A.
Protein change: p.Arg1278His; replaces arginine 1278 with histidine.
Molecular consequence: missense variant.
Genome position (GRCh38, 1-based): chr6:32,081,577, C>T on the plus strand (G>A on the coding strand, the complement: TNXB is on the minus strand). VCF-style: chr6-32081577-C-T. GRCh37 (hg19) VCF-style: chr6-32049354-C-T.
Other names: p.Arg1278His; c.3833G>A, p.Arg1278His (NM_019105.8); short protein forms R1278H.
Identifiers: ClinVar variation 1735366 (VCV001735366.5), dbSNP rs368042869, ClinGen allele CA3735094.